The following is an entry in ClinVar:

ClinVar aggregate classification (germline): Uncertain significance (1 of 4 stars; one submission).

Conditions:
Nemaline myopathy 2 (NEM2). Also called: Nemaline myopathy 2, autosomal recessive. Identifiers: MedGen C1850569, MONDO:0009725, OMIM 256030.

Submission:

Labcorp Genetics (formerly Invitae), Labcorp
Classification: Uncertain significance for Nemaline myopathy 2. Last evaluated: 2022-02-08. Review status: criteria provided, single submitter. Criteria: Invitae Variant Classification Sherloc (09022015). Collection method: clinical testing. Allele origin: germline.
Comment: In summary, the available evidence is currently insufficient to determine the role of this variant in disease. Therefore, it has been classified as a Variant of Uncertain Significance. Algorithms developed to predict the effect of missense changes on protein structure and function are either unavailable or do not agree on the potential impact of this missense change (SIFT: "Deleterious"; PolyPhen-2: "Not Available"; Align-GVGD: "Class C0"). This variant has not been reported in the literature in individuals affected with NEB-related conditions. This variant is not present in population databases (gnomAD no frequency). This sequence change replaces lysine, which is basic and polar, with arginine, which is basic and polar, at codon 6732 of the NEB protein (p.Lys6732Arg).

NM_001164508.2(NEB):c.20195A>G (p.Lys6732Arg)

Gene: NEB (nebulin; minus strand). Cytogenetic location: 2q23.3.
Variant type: single nucleotide variant.
Coding change: c.20195A>G on transcript NM_001164508.2 (MANE Select); coding-DNA position 20195, A replaced by G.
Protein change: p.Lys6732Arg; replaces lysine 6732 with arginine.
Molecular consequence: missense variant.
Genome position (GRCh38, 1-based): chr2:151,547,701, T>C on the plus strand (A>G on the coding strand, the complement: NEB is on the minus strand). VCF-style: chr2-151547701-T-C. GRCh37 (hg19) VCF-style: chr2-152404215-T-C.
Other names: c.20195A>G, p.Lys6732Arg (NM_001164507.2, NM_001271208.2); c.15092A>G, p.Lys5031Arg (NM_004543.5); short protein forms K6732R, K5031R.
Identifiers: ClinVar variation 1963043 (VCV001963043.5), dbSNP rs2094885056, ClinGen allele CA348784009.